The following is an entry in ClinVar:

NM_014989.7(RIMS1):c.4532G>A (p.Gly1511Glu)

Gene: RIMS1 (regulating synaptic membrane exocytosis 1; plus strand). Cytogenetic location: 6q13.
Variant type: single nucleotide variant.
Coding change: c.4532G>A on transcript NM_014989.7 (MANE Select); coding-DNA position 4532, G replaced by A.
Protein change: p.Gly1511Glu; replaces glycine 1511 with glutamic acid.
Molecular consequence: missense variant.
Genome position (GRCh38, 1-based): chr6:72,392,724, G>A. VCF-style: chr6-72392724-G-A. GRCh37 (hg19) VCF-style: chr6-73102426-G-A.
Other names: c.2492G>A, p.Gly831Glu (NM_001168407.2); c.1907G>A, p.Gly636Glu (NM_001168408.2, NM_001350430.2); c.1736G>A, p.Gly579Glu (NM_001168409.2); c.1934G>A, p.Gly645Glu (NM_001168410.2); c.113G>A, p.Gly38Glu (NM_001168411.2); c.2453G>A, p.Gly818Glu (NM_001350414.2); c.2450G>A, p.Gly817Glu (NM_001350425.2); c.1826G>A, p.Gly609Glu (NM_001350426.2); and 54 more; short protein forms G555E, G579E, G612E, G660E, G700E, G727E, G756E, G791E.
Identifiers: ClinVar variation 3645001 (VCV003645001.2).

ClinVar aggregate classification (germline): Uncertain significance (1 of 4 stars; one submission).

gnomAD v4.1: 1 of 1,613,378 alleles (0.000062%); no homozygotes.

Submission:

Labcorp Genetics (formerly Invitae), Labcorp
Classification: Uncertain significance. Last evaluated: 2024-03-14. Review status: criteria provided, single submitter. Criteria: Invitae Variant Classification Sherloc (09022015). Collection method: clinical testing. Allele origin: germline.
Comment: This sequence change replaces glycine, which is neutral and non-polar, with glutamic acid, which is acidic and polar, at codon 1511 of the RIMS1 protein (p.Gly1511Glu). This variant is not present in population databases (gnomAD no frequency). This variant has not been reported in the literature in individuals affected with RIMS1-related conditions. An algorithm developed to predict the effect of missense changes on protein structure and function (PolyPhen-2) suggests that this variant is likely to be disruptive. In summary, the available evidence is currently insufficient to determine the role of this variant in disease. Therefore, it has been classified as a Variant of Uncertain Significance.